The following is an entry in ClinVar:

NM_006466.4(POLR3F):c.265G>C (p.Asp89His)

Gene: POLR3F (RNA polymerase III subunit F; plus strand). Cytogenetic location: 20p11.23.
Variant type: single nucleotide variant.
Coding change: c.265G>C on transcript NM_006466.4 (MANE Select); coding-DNA position 265, G replaced by C.
Protein change: p.Asp89His; replaces aspartic acid 89 with histidine.
Molecular consequence: missense variant. On other transcripts: non-coding transcript variant (1).
Genome position (GRCh38, 1-based): chr20:18,473,407, G>C. VCF-style: chr20-18473407-G-C. GRCh37 (hg19) VCF-style: chr20-18454051-G-C.
Other names: c.142G>C, p.Asp48His (NM_001282526.2); c.265G>C, p.Asp89His (NM_001410821.1); short protein forms D48H, D89H.
Identifiers: ClinVar variation 4722069 (VCV004722069.1).
Genomic context (GRCh38, chr20:18,473,407, plus strand): 5'-TCCTATAGTCCTTACCTTACTAATTTTACTTTATTCCACTACAGTAAAATGAAGGGATCC[G>C]ATAACCAAGAAAAACTAGTATATCAAATCATAGAGGATGCAGGAAATAAAGGTAAGCATG-3'
Protein context (NP_006457.2, residues 79-99): SQNAGKMKGS[Asp89His]NQEKLVYQII

ClinVar aggregate classification (germline): Uncertain significance (1 of 4 stars; one submission).

Submission:

Labcorp Genetics (formerly Invitae), Labcorp
Classification: Uncertain significance. Last evaluated: 2025-06-24. Review status: criteria provided, single submitter. Criteria: Invitae Variant Classification Sherloc (09022015). Collection method: clinical testing. Allele origin: germline.
Comment: This sequence change replaces aspartic acid, which is acidic and polar, with histidine, which is basic and polar, at codon 48 of the POLR3F protein (p.Asp48His). This variant is not present in population databases (gnomAD no frequency). This variant has not been reported in the literature in individuals affected with POLR3F-related conditions. Experimental studies and prediction algorithms are not available or were not evaluated, and the functional significance of this variant is currently unknown. In summary, the available evidence is currently insufficient to determine the role of this variant in disease. Therefore, it has been classified as a Variant of Uncertain Significance.